The following is an entry in ClinVar:

NM_002137.4(HNRNPA2B1):c.341A>C (p.His114Pro)

Gene: HNRNPA2B1 (heterogeneous nuclear ribonucleoprotein A2/B1; minus strand). Cytogenetic location: 7p15.2.
Variant type: single nucleotide variant.
Coding change: c.341A>C on transcript NM_002137.4 (MANE Select); coding-DNA position 341, A replaced by C.
Protein change: p.His114Pro; replaces histidine 114 with proline.
Molecular consequence: missense variant.
Genome position (GRCh38, 1-based): chr7:26,196,941, T>G on the plus strand (A>C on the coding strand, the complement: HNRNPA2B1 is on the minus strand). VCF-style: chr7-26196941-T-G. GRCh37 (hg19) VCF-style: chr7-26236561-T-G.
Other names: c.377A>C, p.His126Pro (NM_031243.4); short protein forms H114P, H126P.
Identifiers: ClinVar variation 3677077 (VCV003677077.2).
Genomic context (GRCh38, chr7:26,196,941, plus strand): 5'-TCAGTAATTATCTCAATGGTATCAATTTTTCCATATTCCTCAAAGTAATCTCTAAGGTGA[T>G]GTTCCTCAGTATCTTCTTTAATTCCGCCAACAAACAGCTTCTTCACAGTTACATGAGCCC-3'
Protein context (NP_002128.1, residues 104-124): VGGIKEDTEE[His114Pro]HLRDYFEEYG

ClinVar aggregate classification (germline): Uncertain significance (1 of 4 stars; one submission).

Conditions:
Inclusion body myopathy with early-onset Paget disease with or without frontotemporal dementia 2 (IBMPFD2). Also called: MULTISYSTEM PROTEINOPATHY 2. Identifiers: MedGen C3809468, MONDO:0014178, OMIM 615422.

Submission:

Labcorp Genetics (formerly Invitae), Labcorp
Classification: Uncertain significance for Inclusion body myopathy with early-onset Paget disease with or without frontotemporal dementia 2. Last evaluated: 2024-11-20. Review status: criteria provided, single submitter. Criteria: Invitae Variant Classification Sherloc (09022015). Collection method: clinical testing. Allele origin: germline.
Comment: This sequence change replaces histidine, which is basic and polar, with proline, which is neutral and non-polar, at codon 126 of the HNRNPA2B1 protein (p.His126Pro). This variant is not present in population databases (gnomAD no frequency). This variant has not been reported in the literature in individuals affected with HNRNPA2B1-related conditions. Invitae Evidence Modeling of protein sequence and biophysical properties (such as structural, functional, and spatial information, amino acid conservation, physicochemical variation, residue mobility, and thermodynamic stability) indicates that this missense variant is not expected to disrupt HNRNPA2B1 protein function with a negative predictive value of 80%. In summary, the available evidence is currently insufficient to determine the role of this variant in disease. Therefore, it has been classified as a Variant of Uncertain Significance.